The following is an entry in ClinVar:

NM_000138.5(FBN1):c.8002G>T (p.Gly2668Cys)

Gene: FBN1 (fibrillin 1; minus strand). Cytogenetic location: 15q21.1.
Variant type: single nucleotide variant.
Coding change: c.8002G>T on transcript NM_000138.5 (MANE Select); coding-DNA position 8002, G replaced by T.
Protein change: p.Gly2668Cys; replaces glycine 2668 with cysteine.
Molecular consequence: missense variant.
Genome position (GRCh38, 1-based): chr15:48,415,585, C>A on the plus strand (G>T on the coding strand, the complement: FBN1 is on the minus strand). VCF-style: chr15-48415585-C-A. GRCh37 (hg19) VCF-style: chr15-48707782-C-A.
Other names: NM_000138.5(FBN1):c.8002G>T; p.Gly2668Cys; short protein forms G2668C.
Identifiers: ClinVar variation 381609 (VCV000381609.5), dbSNP rs1057521100, ClinGen allele CA16606683.
Genomic context (GRCh38, chr15:48,415,585, plus strand): 5'-GCACTGCTTACCCTTGGCCTATGCGGAAGTAACCAGGTGGACAGCCACACAGGTAACCGC[C>A]CTCGGTATTGGAACAGCCATAGCTGCAGGGGGCCTGCGCAGAGCCACATTCATTGATGTC-3'
Protein context (NP_000129.3, residues 2658-2678): PCSYGCSNTE[Gly2668Cys]GYLCGCPPGY

ClinVar aggregate classification (germline): Likely pathogenic. Review status: reviewed by expert panel (3 of 4 stars). 4 submissions from 4 submitters: Likely pathogenic (1). 3 of the submissions do not count toward it. Last evaluated 2024-08-22.

Conditions:
Marfan syndrome (MFS). Also called: Marfan syndrome, classic; Marfan syndrome type 1; Marfan's syndrome; MARFAN SYNDROME, TYPE I; FBN1-Related Marfan Syndrome. Identifiers: Orphanet 284963, Orphanet 558, MedGen C0024796, MONDO:0007947, OMIM 154700.
Familial thoracic aortic aneurysm and aortic dissection (TAAD). Also called: Thoracic aortic aneurysms and dissections. Identifiers: Orphanet 91387, MedGen C4707243, MONDO:0019625.

Submissions (4):

ClinGen FBN1 Variant Curation Expert Panel, ClinGen
Classification: Likely pathogenic for Marfan syndrome. Last evaluated: 2024-08-22. Review status: reviewed by expert panel. Criteria: Assertion Criteria VCEP FBN1 Version 1. Collection method: curation. Allele origin: germline. Inheritance: Autosomal dominant inheritance.
Comment: The NM_00138 c.8002G>T is a missense variant in FBN1 predicted to cause a substitution of a glycine by cysteine at amino acid 2668 (p.Gly2668Cys). This cysteine-creating variant impacts a critical glycine between Cys3 and Cys4 within a calcium binding EGF-like domain, important for interdomain packaging (PM1, PMID 31227806). This variant has been reported twice in ClinVar: once as likely pathogenic, and once as uncertain significance (Variation ID: 381609). This variant has been reported in three individuals from the same study who met revised Ghent criteria; however, the relatedness of these individuals was not provided (PMID 26787436, PP4). This variant is not present in gnomAD (PM2_sup; v2.1.1). A different missense variant at this position, c.8003G>A p.Gly2668Asp, has previously been reported in individuals with a clinical diagnosis of Marfan syndrome (MFS) or MFS-related features (PMID 26787436, internal lab data), however the p.Gly2668Asp variant has not yet been reviewed the FBN1 Variant Curation Expert Panel. Computational prediction tools and conservation analysis suggest that this variant may impact the protein (REVEL: 0.987, PP3). The constraint z-score for missense variants affecting FBN1 is 8.18 (PP2; v4.0.0). In summary, this variant meets criteria to be classified as likely pathogenic for Marfan syndrome based on the ACMG/AMP criteria applied, as specified by the ClinGen FBN1 VCEP: PM1, PM2_Sup, PP2, PP3, PP4.

Labcorp Genetics (formerly Invitae), Labcorp
Classification: Likely pathogenic for Marfan syndrome; Familial thoracic aortic aneurysm and aortic dissection. Last evaluated: 2025-05-27. Review status: criteria provided, single submitter. Criteria: Invitae Variant Classification Sherloc (09022015). Collection method: clinical testing. Allele origin: germline. Not counted in ClinVar's aggregate classification.
Comment: This sequence change replaces glycine, which is neutral and non-polar, with cysteine, which is neutral and slightly polar, at codon 2668 of the FBN1 protein (p.Gly2668Cys). This variant is not present in population databases (gnomAD no frequency). This missense change has been observed in individuals with clinical features of FBN1-related conditions (PMID: 11700157; internal data). ClinVar contains an entry for this variant (Variation ID: 381609). Invitae Evidence Modeling of protein sequence and biophysical properties (such as structural, functional, and spatial information, amino acid conservation, physicochemical variation, residue mobility, and thermodynamic stability) indicates that this missense variant is expected to disrupt FBN1 protein function with a positive predictive value of 95%. In summary, the currently available evidence indicates that the variant is pathogenic, but additional data are needed to prove that conclusively. Therefore, this variant has been classified as Likely Pathogenic.

GeneDx
Classification: Likely pathogenic. Last evaluated: 2016-09-12. Review status: criteria provided, single submitter. Criteria: GeneDx Variant Classification (06012015). Collection method: clinical testing. Allele origin: germline. Affected: yes. Not counted in ClinVar's aggregate classification.
Comment: The G2668C likely pathogenic variant in the FBN1 gene has been previously reported in association with Marfan syndrome (Loeys et al., 2001; Franken et al., 2016). This variant was also reported in three Dutch individuals meeting Ghent diagnostic criteria for Marfan syndrome (Franken et al., 2016). However, segregation studies were not available for any of these published cases. The G2668C variant was not observed in approximately 6,500 individuals of European and African American ancestry in the NHLBI Exome Sequencing Project, indicating it is not a common benign variant in these populations. Furthermore, G2668C is a non-conservative amino acid substitution, which is likely to impact secondary protein structure as these residues differ in polarity, charge, size and/or other properties. Additionally, this substitution occurs within a calcium-binding EGF-like domain, at a position that is conserved across species. Consequently, in silico analysis predicts this variant is probably damaging to the protein structure/function. Moreover, a likely pathogenic missense variant at the same residue (G2668D) has been reported in the Human Gene Mutation Database in association with Marfan syndrome (Stenson et al., 2014), supporting the functional importance of this residue. Finally, G2668C introduces a Cysteine residue within a calcium-binding EGF-like domain of the FBN1 gene, which may affect disulfide bonding and is predicted to alter the structure and function of the protein. Cysteine substitutions in the calcium-binding EGF-like domain represent the majority of pathogenic missense changes associated with Marfan syndrome (Collod-Beroud et al., 2003).Therefore, this variant is likely pathogenic. In order to definitively determine its clinical significance, additional data is required.

Center for Medical Genetics Ghent, University of Ghent
Classification: Uncertain significance for Marfan syndrome. Last evaluated: 2017-11-07. Review status: no assertion criteria provided. Collection method: clinical testing. Allele origin: germline. Affected: yes. Not counted in ClinVar's aggregate classification.

Literature cited by the submitters: PubMed 11700157 (cited by Labcorp Genetics (formerly Invitae), Labcorp).